The following is an entry in ClinVar:

NC_000002.11:g.(?_71730324)_(71730469_?)del

Gene: DYSF (dysferlin; plus strand). Cytogenetic location: 2p13.2.
Variant type: Deletion.
Identifiers: ClinVar variation 2424692 (VCV002424692.3).

ClinVar aggregate classification (germline): Pathogenic (1 of 4 stars; one submission).

Conditions:
Neuromuscular disease caused by qualitative or quantitative defects of dysferlin. Also called: Dysferlinopathy; Qualitative or quantitative defects of dysferlin. Identifiers: Orphanet 207073, MedGen C2931687, MONDO:0016145.

Submission:

Labcorp Genetics (formerly Invitae), Labcorp
Classification: Pathogenic for Neuromuscular disease caused by qualitative or quantitative defects of dysferlin. Last evaluated: 2022-12-25. Review status: criteria provided, single submitter. Criteria: Invitae Variant Classification Sherloc (09022015). Collection method: clinical testing. Allele origin: germline.
Comment: This variant is a gross deletion of the genomic region encompassing exon(s) 4 of the DYSF gene. This deletion is out-of-frame, and is expected to create a premature termination codon and result in an absent or disrupted protein product. Loss-of-function variants in DYSF are known to be pathogenic (PMID: 17698709, 20301480). For these reasons, this variant has been classified as Pathogenic. This variant has not been reported in the literature in individuals affected with DYSF-related conditions.

Literature cited by the submitters: PubMed 17698709; PubMed 20301480.